The following is an entry in ClinVar:

NM_002834.5(PTPN11):c.1724A>G (p.Asp575Gly)

Gene: PTPN11 (protein tyrosine phosphatase non-receptor type 11; plus strand). Cytogenetic location: 12q24.13.
Variant type: single nucleotide variant.
Coding change: c.1724A>G on transcript NM_002834.5 (MANE Select); coding-DNA position 1724, A replaced by G.
Protein change: p.Asp575Gly; replaces aspartic acid 575 with glycine.
Molecular consequence: missense variant.
Genome position (GRCh38, 1-based): chr12:112,504,706, A>G. VCF-style: chr12-112504706-A-G. GRCh37 (hg19) VCF-style: chr12-112942510-A-G.
Other names: c.1736A>G, p.Asp579Gly (NM_001330437.2); c.1721A>G, p.Asp574Gly (NM_001374625.1); short protein forms D575G, D579G, D574G.
Identifiers: ClinVar variation 44601 (VCV000044601.10), dbSNP rs397516799, ClinGen allele CA134653.

ClinVar aggregate classification (germline): Uncertain significance. Review status: criteria provided, multiple submitters, no conflicts (2 of 4 stars). 3 submissions from 3 submitters: Uncertain significance (3). Last evaluated 2025-04-12.

Conditions:
RASopathy. Also called: rasopathies; Noonan spectrum disorder. Identifiers: Orphanet 536391, MedGen C5555857, MONDO:0021060.

Allele frequency attached by ClinVar (database versions not stated): TOPMed below 0.00001.

Submissions (3):

GeneDx
Classification: Uncertain significance. Last evaluated: 2025-04-12. Review status: criteria provided, single submitter. Criteria: GeneDx Variant Classification Process June 2021. Collection method: clinical testing. Allele origin: germline. Affected: yes.
Comment: Not observed at significant frequency in large population cohorts (gnomAD); Missense variants in this gene are a common cause of disease and they are underrepresented in the general population; In silico analysis indicates that this missense variant does not alter protein structure/function; Has not been previously published as pathogenic or benign to our knowledge; This variant is associated with the following publications: (PMID: 29493581)

Labcorp Genetics (formerly Invitae), Labcorp
Classification: Uncertain significance for RASopathy. Last evaluated: 2021-12-25. Review status: criteria provided, single submitter. Criteria: Invitae Variant Classification Sherloc (09022015). Collection method: clinical testing. Allele origin: germline.
Comment: ClinVar contains an entry for this variant (Variation ID: 44601). This variant has not been reported in the literature in individuals affected with PTPN11-related conditions. This variant is not present in population databases (gnomAD no frequency). This sequence change replaces aspartic acid, which is acidic and polar, with glycine, which is neutral and non-polar, at codon 575 of the PTPN11 protein (p.Asp575Gly). Advanced modeling of protein sequence and biophysical properties (such as structural, functional, and spatial information, amino acid conservation, physicochemical variation, residue mobility, and thermodynamic stability) performed at Invitae indicates that this missense variant is not expected to disrupt PTPN11 protein function. In summary, the available evidence is currently insufficient to determine the role of this variant in disease. Therefore, it has been classified as a Variant of Uncertain Significance.

Laboratory for Molecular Medicine, Mass General Brigham Personalized Medicine
Classification: Uncertain significance. Last evaluated: 2014-07-29. Review status: criteria provided, single submitter. Criteria: LMM Criteria. Collection method: clinical testing. Allele origin: germline. Observed: 1 variant allele.
Comment: The Asp575Gly variant in PTPN11 has not been previously reported in individuals with clinical features of Noonan syndrome or in large population studies. Comput ational prediction tools and evolutionary conservation analysis do not provide s trong support for or against an impact to the protein. In summary, the clinical significance of the Asp575Gly variant is uncertain.